The following is an entry in ClinVar:

NM_000393.5(COL5A2):c.569C>A (p.Pro190Gln)

Gene: COL5A2 (collagen type V alpha 2 chain; minus strand). Cytogenetic location: 2q32.2.
Variant type: single nucleotide variant.
Coding change: c.569C>A on transcript NM_000393.5 (MANE Select); coding-DNA position 569, C replaced by A.
Protein change: p.Pro190Gln; replaces proline 190 with glutamine.
Molecular consequence: missense variant.
Genome position (GRCh38, 1-based): chr2:189,088,771, G>T on the plus strand (C>A on the coding strand, the complement: COL5A2 is on the minus strand). VCF-style: chr2-189088771-G-T. GRCh37 (hg19) VCF-style: chr2-189953497-G-T.
Other names: short protein forms P190Q.
Identifiers: ClinVar variation 3704701 (VCV003704701.2).
Genomic context (GRCh38, chr2:189,088,771, plus strand): 5'-AGTCCTACTTGACTCCCAAGTCCAGATTTTTCATCCAACCCAGCCATTTGAGCTGAAAAC[G>T]GCTGTAAAAGCGATATGTTGACATTATTTCTACAGTAAAAGACATACATCAACGTCCTTT-3'
Protein context (NP_000384.2, residues 180-200): SHPGPDGLSR[Pro190Gln]FSAQMAGLDE

ClinVar aggregate classification (germline): Uncertain significance (1 of 4 stars; one submission).

Conditions:
Ehlers-Danlos syndrome, classic type, 1 (EDSCL1). Also called: EHLERS-DANLOS SYNDROME, GRAVIS TYPE; EHLERS-DANLOS SYNDROME, SEVERE CLASSIC TYPE; Ehlers-Danlos syndrome, type 1; Ehlers-Danlos Syndrome, Classic Type, COL5A1-Related; EDS I. Identifiers: MedGen C0268335, MONDO:0019567, OMIM 130000.

gnomAD v4.1: 11 of 1,613,570 alleles (0.00068%); highest among the groups gnomAD compares: South Asian, 0.012%; no homozygotes.

Submission:

Labcorp Genetics (formerly Invitae), Labcorp
Classification: Uncertain significance for Ehlers-Danlos syndrome, classic type, 1. Last evaluated: 2024-09-17. Review status: criteria provided, single submitter. Criteria: Invitae Variant Classification Sherloc (09022015). Collection method: clinical testing. Allele origin: germline.
Comment: This sequence change replaces proline, which is neutral and non-polar, with glutamine, which is neutral and polar, at codon 190 of the COL5A2 protein (p.Pro190Gln). This variant is present in population databases (rs774969990, gnomAD 0.01%). This variant has not been reported in the literature in individuals affected with COL5A2-related conditions. An algorithm developed to predict the effect of missense changes on protein structure and function (PolyPhen-2) suggests that this variant is likely to be disruptive. Algorithms developed to predict the effect of sequence changes on RNA splicing suggest that this variant may create or strengthen a splice site. In summary, the available evidence is currently insufficient to determine the role of this variant in disease. Therefore, it has been classified as a Variant of Uncertain Significance.